The following is an entry in ClinVar:

ClinVar aggregate classification (germline): Uncertain significance. Review status: criteria provided, multiple submitters, no conflicts (2 of 4 stars). 2 submissions from 2 submitters: Uncertain significance (2). Last evaluated 2023-09-13.

Conditions:
Inborn genetic diseases. Identifiers: MedGen C0950123, MeSH D030342.

Allele frequency attached by ClinVar (database versions not stated): ExAC 0.00002; gnomAD 0.00001; gnomAD exomes 0.00001; TOPMed below 0.00001.
gnomAD v4.1: 9 of 1,613,832 alleles (0.00056%); highest among the groups gnomAD compares: East Asian, 0.013%; no homozygotes.

Submissions (2):

Ambry Genetics
Classification: Uncertain significance for Inborn genetic diseases. Last evaluated: 2023-09-13. Review status: criteria provided, single submitter. Criteria: Ambry Variant Classification Scheme 2023. Collection method: clinical testing. Allele origin: germline.

Labcorp Genetics (formerly Invitae), Labcorp
Classification: Uncertain significance. Last evaluated: 2022-02-11. Review status: criteria provided, single submitter. Criteria: Invitae Variant Classification Sherloc (09022015). Collection method: clinical testing. Allele origin: germline.
Comment: This sequence change replaces serine, which is neutral and polar, with leucine, which is neutral and non-polar, at codon 113 of the C1QB protein (p.Ser113Leu). This variant is present in population databases (rs745414763, gnomAD 0.01%). This variant has not been reported in the literature in individuals affected with C1QB-related conditions. ClinVar contains an entry for this variant (Variation ID: 1036020). Algorithms developed to predict the effect of missense changes on protein structure and function are either unavailable or do not agree on the potential impact of this missense change (SIFT: "Deleterious"; PolyPhen-2: "Probably Damaging"; Align-GVGD: "Class C0"). In summary, the available evidence is currently insufficient to determine the role of this variant in disease. Therefore, it has been classified as a Variant of Uncertain Significance.

NM_001378156.1(C1QB):c.332C>T (p.Ser111Leu)

Gene: C1QB (complement C1q B chain; plus strand). Cytogenetic location: 1p36.12.
Variant type: single nucleotide variant.
Coding change: c.332C>T on transcript NM_001378156.1 (MANE Select); coding-DNA position 332, C replaced by T.
Protein change: p.Ser111Leu; replaces serine 111 with leucine.
Molecular consequence: missense variant.
Genome position (GRCh38, 1-based): chr1:22,660,962, C>T. VCF-style: chr1-22660962-C-T. GRCh37 (hg19) VCF-style: chr1-22987455-C-T.
Other names: c.338C>T, p.Ser113Leu (NM_000491.5); c.332C>T, p.Ser111Leu (NM_001371184.3); c.338C>T (NM_000491.3); short protein forms S111L, S113L.
Identifiers: ClinVar variation 1036020 (VCV001036020.7), dbSNP rs745414763, ClinGen allele CA678141.